The following is an entry in ClinVar:

ClinVar aggregate classification (germline): Uncertain significance (1 of 4 stars; one submission).

Submission:

Labcorp Genetics (formerly Invitae), Labcorp
Classification: Uncertain significance. Last evaluated: 2022-03-20. Review status: criteria provided, single submitter. Criteria: Invitae Variant Classification Sherloc (09022015). Collection method: clinical testing. Allele origin: germline.
Comment: This variant has not been reported in the literature in individuals affected with MPDZ-related conditions. Algorithms developed to predict the effect of missense changes on protein structure and function (SIFT, PolyPhen-2, Align-GVGD) all suggest that this variant is likely to be disruptive. In summary, the available evidence is currently insufficient to determine the role of this variant in disease. Therefore, it has been classified as a Variant of Uncertain Significance. This variant is not present in population databases (gnomAD no frequency). This sequence change replaces serine, which is neutral and polar, with phenylalanine, which is neutral and non-polar, at codon 858 of the MPDZ protein (p.Ser858Phe).

NM_001378778.1(MPDZ):c.2573C>T (p.Ser858Phe)

Gene: MPDZ (multiple PDZ domain crumbs cell polarity complex component; minus strand). Cytogenetic location: 9p23.
Variant type: single nucleotide variant.
Coding change: c.2573C>T on transcript NM_001378778.1 (MANE Select); coding-DNA position 2573, C replaced by T.
Protein change: p.Ser858Phe; replaces serine 858 with phenylalanine.
Molecular consequence: missense variant.
Genome position (GRCh38, 1-based): chr9:13,183,494, G>A on the plus strand (C>T on the coding strand, the complement: MPDZ is on the minus strand). VCF-style: chr9-13183494-G-A. GRCh37 (hg19) VCF-style: chr9-13183493-G-A.
Other names: c.2573C>T, p.Ser858Phe (NM_001261406.2, NM_001261407.2, NM_001330637.2 and 14 more transcripts); short protein forms S858F.
Identifiers: ClinVar variation 2115257 (VCV002115257.4), dbSNP rs2493643243, ClinGen allele CA372935715.
Genomic context (GRCh38, chr9:13,183,494, plus strand): 5'-GGAAGGGAAGAACCATAGTTCAGGCCATCACCACAAGAACTGCCATGAAGAGATAAAATA[G>A]AGGCTTGAGTAGAGTAGATGCTGTCATTTTCAGGAGAGTATGGAGACTCAAATGTGGATT-3'
Protein context (NP_001365707.1, residues 848-868): ENDSIYSTQA[Ser858Phe]ILSLHGSSCG